The following is an entry in ClinVar:

NM_133379.5(TTN):c.13022C>G (p.Ser4341Ter)

Gene: TTN (titin; minus strand). Cytogenetic location: 2q31.2.
Variant type: single nucleotide variant.
Coding change: c.13022C>G on transcript NM_133379.5; coding-DNA position 13022, C replaced by G.
Protein change: p.Ser4341Ter; replaces serine 4341 with a stop codon.
Molecular consequence: nonsense. On other transcripts: intron variant (6).
Genome position (GRCh38, 1-based): chr2:178,749,378, G>C on the plus strand (C>G on the coding strand, the complement: TTN is on the minus strand). VCF-style: chr2-178749378-G-C. GRCh37 (hg19) VCF-style: chr2-179614105-G-C.
Other names: c.10222+3746C>G (NM_003319.4); c.10798+3746C>G (NM_133437.4); c.10597+3746C>G (NM_133432.3); c.10360+3746C>G (NM_133378.4, NM_001256850.1); c.11311+3746C>G (NM_001267550.2); c.13022C>G (LRG_391t2); short protein forms S4341*.
Identifiers: ClinVar variation 223306 (VCV000223306.1), dbSNP rs763408700, ClinGen allele CA090504.

ClinVar aggregate classification (germline): Uncertain significance (1 of 4 stars; one submission).

Conditions:
Primary dilated cardiomyopathy (DCM). Also called: Dilated Cardiomyopathy. Identifiers: Orphanet 217604, MedGen C0007193, MeSH D002311, MONDO:0005021, HP:0001644. Inheritance: Various modes of inheritance.

Allele frequency attached by ClinVar (database versions not stated): gnomAD exomes 0.00002; ExAC 0.00003.
gnomAD v4.1: 26 of 1,613,024 alleles (0.0016%); highest among the groups gnomAD compares: South Asian, 0.026%; no homozygotes.

Submission:

Cardiovascular Biomedical Research Unit, Royal Brompton & Harefield NHS Foundation Trust
Classification: Uncertain significance for Primary dilated cardiomyopathy. Last evaluated: 2014-10-08. Review status: criteria provided, single submitter. Criteria: Roberts et al. 2015. Collection method: research. Allele origin: germline. Inheritance: Autosomal dominant inheritance. Affected: yes. Observed: 1 variant allele. Study: Unselected DCM.
Comment: It affects only the Novex-3 isoform, which does not span the sarcomere and has not been implicated in DCM. In the seven cohorts assessed, TTNtv were found in 14% of ambulant DCM, 22% end-stage or familial DCM, and 2% controls. Heterozygous nonsense, frameshift and canonical splice-disrupting variants found in constitutive and other highly utilised exons are highly likely to be pathogenic when identified in individuals with phenotypically confirmed DCM. TTNtv found incidentally in healthy individuals (excluding familial assessment of DCM relatives) are thought to have low penetrance, particularly when identified in exons that are not constitutively expressed in the heart.